The following is an entry in ClinVar:

NM_183357.3(ADCY5):c.505G>A (p.Ala169Thr)

Gene: ADCY5 (adenylate cyclase 5; minus strand). Cytogenetic location: 3q21.1.
Variant type: single nucleotide variant.
Coding change: c.505G>A on transcript NM_183357.3 (MANE Select); coding-DNA position 505, G replaced by A.
Protein change: p.Ala169Thr; replaces alanine 169 with threonine.
Molecular consequence: missense variant.
Genome position (GRCh38, 1-based): chr3:123,448,041, C>T on the plus strand (G>A on the coding strand, the complement: ADCY5 is on the minus strand). VCF-style: chr3-123448041-C-T. GRCh37 (hg19) VCF-style: chr3-123166888-C-T.
Other names: c.505G>A, p.Ala169Thr (NM_001378259.1); c.505G>A (NM_183357.2); short protein forms A169T.
Identifiers: ClinVar variation 2200583 (VCV002200583.6), dbSNP rs1304839135, ClinGen allele CA354357586.
Genomic context (GRCh38, chr3:123,448,041, plus strand): 5'-TGCCGCCATCCCCGGACCCCTCGCCGCCCTCGACGGCGCCGGCCTCCAGCTCGTCGGCCG[C>T]GCGCCCCTTGCCCCGCCGCTCCTCCAGACCCACCTCCACCGAGCGAGGGCGCACCTCCGT-3'
Protein context (NP_899200.1, residues 159-179): GLEERRGKGR[Ala169Thr]ADELEAGAVE

ClinVar aggregate classification (germline): Conflicting classifications of pathogenicity. Review status: criteria provided, conflicting classifications (1 of 4 stars). 3 submissions from 3 submitters: Uncertain significance (2); Benign (1). Last evaluated 2026-09-01.

Conditions:
Inborn genetic diseases. Identifiers: MedGen C0950123, MeSH D030342.

Allele frequency attached by ClinVar (database versions not stated): gnomAD exomes 0.00010; gnomAD 0.00012; TOPMed 0.00012.
gnomAD v4.1: 127 of 1,244,484 alleles (0.01%); highest among the groups gnomAD compares: Admixed American, 0.03%; no homozygotes.

Submissions (3):

CeGaT Center for Human Genetics Tuebingen
Classification: Uncertain significance. Last evaluated: 2026-09-01. Review status: criteria provided, single submitter. Criteria: CeGaT Center For Human Genetics Tuebingen Variant Classification Criteria Version 2. Collection method: clinical testing. Allele origin: germline. Affected: yes. Observed: 1 variant allele.
Comment: ADCY5: PM2

Labcorp Genetics (formerly Invitae), Labcorp
Classification: Benign. Last evaluated: 2025-09-30. Review status: criteria provided, single submitter. Criteria: Invitae Variant Classification Sherloc (09022015). Collection method: clinical testing. Allele origin: germline.

Ambry Genetics
Classification: Uncertain significance for Inborn genetic diseases. Last evaluated: 2022-12-27. Review status: criteria provided, single submitter. Criteria: Ambry Variant Classification Scheme 2023. Collection method: clinical testing. Allele origin: germline.